The following is an entry in ClinVar:

ClinVar aggregate classification (germline): Uncertain significance (1 of 4 stars; one submission).

Conditions:
Autosomal recessive limb-girdle muscular dystrophy type R18 (LGMDR18). Also called: Limb-girdle muscular dystrophy, type 2S; MUSCULAR DYSTROPHY, LIMB-GIRDLE, AUTOSOMAL RECESSIVE 18; Autosomal recessive limb-girdle muscular dystrophy type 2S. Identifiers: Orphanet 369840, MedGen C4517996, MONDO:0014144, OMIM 615356.

Allele frequency attached by ClinVar (database versions not stated): gnomAD exomes below 0.00001.
gnomAD v4.1: 1 of 1,613,194 alleles (0.000062%); highest among the groups gnomAD compares: Non-Finnish European, 0.000085%; no homozygotes.

Submission:

Labcorp Genetics (formerly Invitae), Labcorp
Classification: Uncertain significance for Autosomal recessive limb-girdle muscular dystrophy type R18. Last evaluated: 2022-08-16. Review status: criteria provided, single submitter. Criteria: Invitae Variant Classification Sherloc (09022015). Collection method: clinical testing. Allele origin: germline.
Comment: This sequence change replaces arginine, which is basic and polar, with lysine, which is basic and polar, at codon 725 of the TRAPPC11 protein (p.Arg725Lys). This variant is not present in population databases (gnomAD no frequency). This variant has not been reported in the literature in individuals affected with TRAPPC11-related conditions. Algorithms developed to predict the effect of missense changes on protein structure and function (SIFT, PolyPhen-2, Align-GVGD) all suggest that this variant is likely to be tolerated. Algorithms developed to predict the effect of sequence changes on RNA splicing suggest that this variant may create or strengthen a splice site. In summary, the available evidence is currently insufficient to determine the role of this variant in disease. Therefore, it has been classified as a Variant of Uncertain Significance.

NM_021942.6(TRAPPC11):c.2174G>A (p.Arg725Lys)

Gene: TRAPPC11 (trafficking protein particle complex subunit 11; plus strand). Cytogenetic location: 4q35.1.
Variant type: single nucleotide variant.
Coding change: c.2174G>A on transcript NM_021942.6 (MANE Select); coding-DNA position 2174, G replaced by A.
Protein change: p.Arg725Lys; replaces arginine 725 with lysine.
Molecular consequence: missense variant.
Genome position (GRCh38, 1-based): chr4:183,693,084, G>A. VCF-style: chr4-183693084-G-A. GRCh37 (hg19) VCF-style: chr4-184614237-G-A.
Other names: c.2174G>A, p.Arg725Lys (NM_199053.3); short protein forms R725K.
Identifiers: ClinVar variation 2186956 (VCV002186956.1), dbSNP rs1736338458, ClinGen allele CA358870976.